The following is an entry in ClinVar:

NM_001110556.2(FLNA):c.1601_1603dup (p.Gly534_Asp535insGly)

Gene: FLNA (filamin A; minus strand). Cytogenetic location: Xq28.
Variant type: Duplication.
Coding change: c.1601_1603dup on transcript NM_001110556.2 (MANE Select); coding-DNA positions 1601 to 1603, 3 bases duplicated (GGG; older notation c.1601_1603dupGGG).
Protein change: p.Gly534_Asp535insGly.
Molecular consequence: inframe insertion.
Genome position (GRCh38, 1-based): chrX:154,365,224-154,365,226, CCC duplicated on the plus strand (GGG on the coding strand, the reverse complement: FLNA is on the minus strand); duplicating any 3 consecutive bases within chrX:154,365,224-154,365,228 gives the same sequence; the c. name uses the placement nearest the transcript's 3' end. VCF-style (leftmost placement, unchanged base first): chrX-154365223-T-TCCC. GRCh37 (hg19) VCF-style: chrX-153593591-T-TCCC.
Other names: c.1601_1603dup, p.Gly534_Asp535insGly (NM_001456.4).
Identifiers: ClinVar variation 2928767 (VCV002928767.3), dbSNP rs1190611395, ClinGen allele CA873342351.
Genomic context (GRCh38, chrX:154,365,223, plus strand): 5'-GTGATGGTGACGATATAGGTTCCAGGGACCATGGGGTAATACTCGAAGCCATACACGCCA[T>TCCC]CCCCCAGGTCCTTCTGCTTCACGCGCTCCTCTCCCTCTGCCAAGACAAGGAGGGCCTCAG-3'

ClinVar aggregate classification (germline): Uncertain significance (1 of 4 stars; one submission).

Conditions:
Oto-palato-digital syndrome, type II (OPD2). Also called: Otopalatodigital Syndrome Type 2 (FLNA-OPD2); FACIOPALATOOSSEOUS SYNDROME; OPD II SYNDROME; Otopalatodigital Syndrome, Type II. Identifiers: Orphanet 669, Orphanet 90652, MedGen C1844696, MONDO:0010571, OMIM 304120.
Heterotopia, periventricular, X-linked dominant (PVNH1). Also called: PERIVENTRICULAR NODULAR HETEROTOPIA 1; X-linked periventricular heterotopia; PERIVENTRICULAR NODULAR HETEROTOPIA 4; HETEROTOPIA, PERIVENTRICULAR, 1. Identifiers: Orphanet 2149, Orphanet 82004, MedGen C1848213, MONDO:0010233, OMIM 300049.
Melnick-Needles syndrome (MNS). Also called: Melnick-Needles Syndrome (FLNA-MNS); MELNICK-NEEDLES OSTEODYSPLASTY; OSTEODYSPLASTY OF MELNICK AND NEEDLES. Identifiers: Orphanet 2484, MedGen C0025237, MONDO:0010650, OMIM 309350.
Frontometaphyseal dysplasia (FMD1). Identifiers: Orphanet 1826, MedGen C0265293, MONDO:0015942.

Submission:

Labcorp Genetics (formerly Invitae), Labcorp
Classification: Uncertain significance for Oto-palato-digital syndrome, type II; Heterotopia, periventricular, X-linked dominant; Frontometaphyseal dysplasia; Melnick-Needles syndrome. Last evaluated: 2023-09-05. Review status: criteria provided, single submitter. Criteria: Invitae Variant Classification Sherloc (09022015). Collection method: clinical testing. Allele origin: germline.
Comment: In summary, the available evidence is currently insufficient to determine the role of this variant in disease. Therefore, it has been classified as a Variant of Uncertain Significance. This variant has not been reported in the literature in individuals affected with FLNA-related conditions. This variant is not present in population databases (gnomAD no frequency). This variant, c.1601_1603dup, results in the insertion of 1 amino acid(s) of the FLNA protein (p.Gly534dup), but otherwise preserves the integrity of the reading frame.